The following is an entry in ClinVar:

ClinVar aggregate classification (germline): Benign. Review status: criteria provided, multiple submitters, no conflicts (2 of 4 stars). 2 submissions from 2 submitters: Benign (2). Last evaluated 2018-06-14.

Allele frequency attached by ClinVar (database versions not stated): gnomAD exomes 0.23154; gnomAD 0.26285 and 0.26333; TOPMed 0.27886; 1000 Genomes Project 30x 0.31433; 1000 Genomes Project 0.31490.
gnomAD v4.1: 325,295 of 1,382,610 alleles (24%); highest among the groups gnomAD compares: East Asian, 42%; 41,647 homozygotes.

Submissions (2):

GeneDx
Classification: Benign. Last evaluated: 2018-06-14. Review status: criteria provided, single submitter. Criteria: GeneDx Variant Classification (06012015). Collection method: clinical testing. Allele origin: germline. Affected: yes.
Comment: This variant is considered likely benign or benign based on one or more of the following criteria: it is a conservative change, it occurs at a poorly conserved position in the protein, it is predicted to be benign by multiple in silico algorithms, and/or has population frequency not consistent with disease.

Breakthrough Genomics
Classification: Benign. Review status: criteria provided, single submitter. Criteria: ACMG Guidelines, 2015. Collection method: not provided. Allele origin: germline. Inheritance: Autosomal recessive inheritance. Affected: yes.

NM_001849.4(COL6A2):c.1179+101G>T

Gene: COL6A2 (collagen type VI alpha 2 chain; plus strand). Cytogenetic location: 21q22.3.
Variant type: single nucleotide variant.
Coding change: c.1179+101G>T on transcript NM_001849.4 (MANE Select); 101 bases into the intron after coding-DNA position 1179, G replaced by T.
Molecular consequence: intron variant.
Genome position (GRCh38, 1-based): chr21:46,118,777, G>T. VCF-style: chr21-46118777-G-T. GRCh37 (hg19) VCF-style: chr21-47538691-G-T.
Other names: c.1179+101G>T (NM_058175.3, NM_058174.3).
Identifiers: ClinVar variation 680223 (VCV000680223.2), dbSNP rs9917540, ClinGen allele CA14875497.